The following is an entry in ClinVar:

NM_006939.4(SOS2):c.511G>A (p.Val171Ile)

Gene: SOS2 (SOS Ras/Rho guanine nucleotide exchange factor 2; minus strand). Cytogenetic location: 14q21.3.
Variant type: single nucleotide variant.
Coding change: c.511G>A on transcript NM_006939.4 (MANE Select); coding-DNA position 511, G replaced by A.
Protein change: p.Val171Ile; replaces valine 171 with isoleucine.
Molecular consequence: missense variant.
Genome position (GRCh38, 1-based): chr14:50,188,700, C>T on the plus strand (G>A on the coding strand, the complement: SOS2 is on the minus strand). VCF-style: chr14-50188700-C-T. GRCh37 (hg19) VCF-style: chr14-50655418-C-T.
Other names: c.511G>A, p.Val171Ile (NM_001411020.1); short protein forms V171I.
Identifiers: ClinVar variation 2100653 (VCV002100653.4), dbSNP rs1351192565, ClinGen allele CA389648380.
Genomic context (GRCh38, chr14:50,188,700, plus strand): 5'-GTTCATCTTCACAGAGAGAAACCAAACCTATGTCATCCTGATCAAACATGTCCATCAAAA[C>T]CTGAGAAACAGAAATCAATAATGTATAAATTTATTTTCTTTACTTTTATAAAAACTGCCT-3'
Protein context (NP_008870.2, residues 161-181): DIKVSMCADK[Val171Ile]LMDMFDQDDI

ClinVar aggregate classification (germline): Uncertain significance (1 of 4 stars; one submission).

Conditions:
Noonan syndrome 9 (NS9). Identifiers: Orphanet 648, MedGen C4225282, MONDO:0014691, OMIM 616559.

Allele frequency attached by ClinVar (database versions not stated): gnomAD exomes below 0.00001.

Submission:

Labcorp Genetics (formerly Invitae), Labcorp
Classification: Uncertain significance for Noonan syndrome 9. Last evaluated: 2025-08-08. Review status: criteria provided, single submitter. Criteria: Invitae Variant Classification Sherloc (09022015). Collection method: clinical testing. Allele origin: germline.
Comment: This sequence change replaces valine, which is neutral and non-polar, with isoleucine, which is neutral and non-polar, at codon 171 of the SOS2 protein (p.Val171Ile). The frequency data for this variant in the population databases is considered unreliable, as metrics indicate poor data quality at this position in the gnomAD database. This variant has not been reported in the literature in individuals affected with SOS2-related conditions. ClinVar contains an entry for this variant (Variation ID: 2100653). Invitae Evidence Modeling of protein sequence and biophysical properties (such as structural, functional, and spatial information, amino acid conservation, physicochemical variation, residue mobility, and thermodynamic stability) has been performed for this missense variant. However, the output from this modeling did not meet the statistical confidence thresholds required to predict the impact of this variant on SOS2 protein function. In summary, the available evidence is currently insufficient to determine the role of this variant in disease. Therefore, it has been classified as a Variant of Uncertain Significance.